The following is an entry in ClinVar:

ClinVar aggregate classification (germline): Conflicting classifications of pathogenicity. Review status: criteria provided, conflicting classifications (1 of 4 stars). 7 submissions from 7 submitters: Pathogenic (2); Likely pathogenic (2); Uncertain significance (3). Last evaluated 2026-04-30.

Conditions:
Leukodystrophy. Identifiers: Orphanet 68356, MedGen C0023520, MONDO:0019046, HP:0002415.
Autosomal recessive nonsyndromic hearing loss 89. Also called: Deafness, autosomal recessive 89. Identifiers: Orphanet 90636, MedGen C3151351, MONDO:0013489, OMIM 613916.
Global developmental delay (DD). Also called: Cognitive delay. Identifiers: MedGen C0557874, HP:0001263. Disease mechanism: loss of function.
KARS1-related disorder. Also called: KARS1-related disorders.
Sensorineural hearing loss disorder. Also called: Sensorineural hearing impairment; Sensorineural Deafness; Sensorineural hearing loss. Identifiers: MedGen C0018784, MeSH D006319, MONDO:0020678, HP:0000407.
Prelingual sensorineural hearing impairment. Identifiers: MedGen C4021806, HP:0000399.

Allele frequency attached by ClinVar (database versions not stated): gnomAD exomes below 0.00001; gnomAD 0.00001; TOPMed 0.00003.
gnomAD v4.1: 9 of 1,613,966 alleles (0.00056%); highest among the groups gnomAD compares: Non-Finnish European, 0.00059%; no homozygotes.

Submissions (7):

Laboratory of Molecular, Cellular and Translation Genetics in Otolaryngology/ Lim32-hcfmusp, University of Sao Paulo School of Medicine Clinics Hospital
Classification: Uncertain significance for Prelingual sensorineural hearing impairment. Last evaluated: 2026-04-30. Review status: criteria provided, single submitter. Criteria: ACMG Guidelines, 2015. Collection method: research. Allele origin: germline. Affected: yes.
Comment: NM_001130089.2:c.1577C>T: p.(Ala526Val). This variant has been classified as a variant of uncertain significance (VUS). It is rare in population databases (PM2_supporting), and in silico prediction tools support a deleterious effect on protein function (PP3_moderate). The variant has been repeatedly reported in trans with other pathogenic KARS1 variants and has been shown to segregate with disease in multiple families (PM3_strong, PP1). Although the clinical presentation and inheritance pattern are consistent with autosomal recessive progressive infantile-onset leukoencephalopathy with or without deafness (LEPID), the available evidence remains insufficient to establish a definitive causal role for this variant as described in PMID: 42233699.

Labcorp Genetics (formerly Invitae), Labcorp
Classification: Pathogenic. Last evaluated: 2025-08-17. Review status: criteria provided, single submitter. Criteria: Invitae Variant Classification Sherloc (09022015). Collection method: clinical testing. Allele origin: germline.
Comment: This sequence change replaces alanine, which is neutral and non-polar, with valine, which is neutral and non-polar, at codon 526 of the KARS protein (p.Ala526Val). This variant is present in population databases (no rsID available, gnomAD 0.007%). This missense change has been observed in individual(s) with clinical features of Leigh syndrome (PMID: 28496994, 34172899). In at least one individual the data is consistent with being in trans (on the opposite chromosome) from a pathogenic variant. It has also been observed to segregate with disease in related individuals. ClinVar contains an entry for this variant (Variation ID: 694746). Invitae Evidence Modeling of protein sequence and biophysical properties (such as structural, functional, and spatial information, amino acid conservation, physicochemical variation, residue mobility, and thermodynamic stability) indicates that this missense variant is expected to disrupt KARS protein function with a positive predictive value of 80%. For these reasons, this variant has been classified as Pathogenic.

PreventionGenetics, part of Exact Sciences
Classification: Likely pathogenic for KARS1-related condition. Last evaluated: 2025-05-29. Review status: criteria provided, single submitter. Criteria: ACMG Guidelines, 2015. Collection method: clinical testing. Allele origin: germline.
Comment: The KARS1 c.1577C>T variant is predicted to result in the amino acid substitution p.Ala526Val. This variant has been reported in the compound heterozygous state in two siblings with hearing loss, microcephaly, developmental delay, and seizures (Murray et al 2017. PubMed ID: 28496994). This variant has also been reported in the homozygous and compound heterozygous states in individuals with a clinical diagnosis of early-onset leukodystrophy (Vargas et al. 2020. PubMed ID: 33260297; Table S2, Lin et al. 2021. PubMed ID: 34172899). This variant is reported in 0.0065% of alleles in individuals of European (Non-Finnish) descent in gnomAD. This variant is interpreted as likely pathogenic.

GeneDx
Classification: Uncertain significance. Last evaluated: 2024-02-28. Review status: criteria provided, single submitter. Criteria: GeneDx Variant Classification Process June 2021. Collection method: clinical testing. Allele origin: germline. Affected: yes.
Comment: Reported with a second variant on the opposite allele (in trans) in a patient with early-onset leukodystrophy in published literature (PMID: 33260297); Not observed at significant frequency in large population cohorts (gnomAD); In silico analysis supports that this missense variant has a deleterious effect on protein structure/function; This variant is associated with the following publications: (PMID: 33478492, 3347849, 29615062, 34172899, 28496994, 36147510, 33260297)

Clinica Universidad de La Sabana, Universidad de La Sabana
Classification: Pathogenic for Leukodystrophy; Sensorineural hearing loss disorder; Global developmental delay. Last evaluated: 2020-01-30. Review status: criteria provided, single submitter. Criteria: ACMG Guidelines, 2015. Collection method: clinical testing. Allele origin: inherited. Inheritance: Autosomal recessive inheritance. Affected: yes. Observed: 1 compound heterozygote.
Comment: It is known what is the impact of some mutations in the KARS domain, nonetheless, there are still multiple KARS gene variations with unestablished clinical significance until this day, and even most of those classified as pathogenic, are not supported nor related to phenotypical reports, in fact, Ardissone et al determined that only 27 patients have a phenotype related to a KARS mutation, this, in relation to the fact that there have been reported 120 variations on ClinVar; from which 31 have been classified as pathogenic and 4 with conflicting interpretations (where we found the second variant of our patient: NM_001130089.1:c.1577C>T), which, up until this day its relation with any phenotype was uncertain, being so, it can now be stated that this second variant can now be classified as pathogenic and related to phenotypical characteristics such as leukodystrophy, hearing loss, and developmental delay. In addition, to the fact that a mutation on this specific domain has been classified as deleterious by analyzing it with 16 bioinformatics predictors (variant / hg19 / NM_001130089.1 (KARS)% 3AA526V)

Diagnostics Services (NGS), CSIR - Centre For Cellular And Molecular Biology
Classification: Uncertain significance for Global developmental delay; Leukodystrophy; Autosomal recessive nonsyndromic hearing loss 89. Last evaluated: 2019-11-11. Review status: criteria provided, single submitter. Criteria: ACMG Guidelines, 2015. Collection method: clinical testing. Allele origin: unknown. Inheritance: Autosomal recessive inheritance. Affected: yes. Observed: 1 homozygote.
Comment: The c.1493C>T variant is not present in publicly available databases like 1000 Genomes, Exome Variant Server (EVS), Exome Aggregation Consortium (ExAC) however present in Genome Aggregation Database (gnomAD) and dbSNP at a very low frequency and only in heterozygous state. The variant is not present in our in-house exome database. The variant was also not reported to OMIM, ClinVar and Human Genome Mutation Database (HGMD) in any other affected individuals. In-silico pathogenicity prediction programs like SIFT, Polyphen2, Mutation Taster2, CADD etc. predicted this variant as likely disease causing. Homozygous variations in the KARS1 gene are known to cause autosomal recessive deafness-89 (MIM#613916). Recently, biallelic variations in this gene have also been reported to cause early-onset progressive leukodystrophy (van der Knaap et al. Neurology 2019; 3. Itoh et al. Brain 2019; Sun et al. Neurol Genet 2019).

Mendelics
Classification: Likely pathogenic for Autosomal recessive nonsyndromic hearing loss 89. Last evaluated: 2019-05-28. Review status: criteria provided, single submitter. Criteria: Mendelics Assertion Criteria 2017. Collection method: clinical testing. Allele origin: unknown.

Literature cited by the submitters: PubMed 28496994 (cited by Laboratory of Molecular, Cellular and Translation Genetics in Otolaryngology/ Lim32-hcfmusp, University of Sao Paulo School of Medicine Clinics Hospital and Labcorp Genetics (formerly Invitae), Labcorp); PubMed 33260297 (cited by Laboratory of Molecular, Cellular and Translation Genetics in Otolaryngology/ Lim32-hcfmusp, University of Sao Paulo School of Medicine Clinics Hospital and Clinica Universidad de La Sabana, Universidad de La Sabana); PubMed 34172899 (cited by Laboratory of Molecular, Cellular and Translation Genetics in Otolaryngology/ Lim32-hcfmusp, University of Sao Paulo School of Medicine Clinics Hospital and Labcorp Genetics (formerly Invitae), Labcorp); PubMed 42233699 (cited by Laboratory of Molecular, Cellular and Translation Genetics in Otolaryngology/ Lim32-hcfmusp, University of Sao Paulo School of Medicine Clinics Hospital); DOI 10.1186/s13023-018-0788-4 (cited by Clinica Universidad de La Sabana, Universidad de La Sabana).

NM_005548.3(KARS1):c.1493C>T (p.Ala498Val)

Genes: KARS1 (lysyl-tRNA synthetase 1; minus strand), LOC126862402 (CDK7 strongly-dependent group 2 enhancer GRCh37_chr16:75663368-75664567; plus strand). Cytogenetic location: 16q23.1.
Variant type: single nucleotide variant.
Coding change: c.1493C>T on transcript NM_005548.3 (MANE Select); coding-DNA position 1493, C replaced by T.
Protein change: p.Ala498Val; replaces alanine 498 with valine.
Molecular consequence: missense variant.
Genome position (GRCh38, 1-based): chr16:75,629,473, G>A on the plus strand (C>T on the coding strand, the complement: KARS1 is on the minus strand). VCF-style: chr16-75629473-G-A. GRCh37 (hg19) VCF-style: chr16-75663371-G-A.
Other names: c.1577C>T, p.Ala526Val (NM_001130089.2); c.1025C>T, p.Ala342Val (NM_001378148.1); short protein forms A526V, A498V, A342V.
Identifiers: ClinVar variation 694746 (VCV000694746.15), dbSNP rs1415687857, ClinGen allele CA396810716.